The following is an entry in ClinVar:

NM_001040616.3(LINS1):c.1124C>T (p.Thr375Ile)

Gene: LINS1 (lines homolog 1; minus strand). Cytogenetic location: 15q26.3.
Variant type: single nucleotide variant.
Coding change: c.1124C>T on transcript NM_001040616.3 (MANE Select); coding-DNA position 1124, C replaced by T.
Protein change: p.Thr375Ile; replaces threonine 375 with isoleucine.
Molecular consequence: missense variant. On other transcripts: non-coding transcript variant (3).
Genome position (GRCh38, 1-based): chr15:100,573,749, G>A on the plus strand (C>T on the coding strand, the complement: LINS1 is on the minus strand). VCF-style: chr15-100573749-G-A. GRCh37 (hg19) VCF-style: chr15-101113954-G-A.
Other names: c.377C>T, p.Thr126Ile (NM_001352507.2); c.1079C>T, p.Thr360Ile (NM_001352508.2); short protein forms T375I, T126I, T360I.
Identifiers: ClinVar variation 129483 (VCV000129483.26), dbSNP rs143097819, ClinGen allele CA231233.

ClinVar aggregate classification (germline): Likely benign. Review status: criteria provided, multiple submitters, no conflicts (2 of 4 stars). 7 submissions from 7 submitters: Likely benign (4). 3 of the submissions do not count toward it. Last evaluated 2025-07-01.

Conditions:
LINS1-related disorder. Also called: LINS1-related condition.
Inborn genetic diseases. Identifiers: MedGen C0950123, MeSH D030342.

Allele frequency attached by ClinVar (database versions not stated): gnomAD exomes 0.00016 and 0.00058; ExAC 0.00064; gnomAD 0.00178 and 0.00187; TOPMed 0.00179; ESP Exome Variant Server 0.00192; 1000 Genomes Project 0.00240; 1000 Genomes Project 30x 0.00250.
gnomAD v4.1: 517 of 1,613,994 alleles (0.032%); highest among the groups gnomAD compares: African/African-American, 0.51%; 2 homozygotes.

Submissions (7):

CeGaT Center for Human Genetics Tuebingen
Classification: Likely benign. Last evaluated: 2025-07-01. Review status: criteria provided, single submitter. Criteria: CeGaT Center For Human Genetics Tuebingen Variant Classification Criteria Version 2. Collection method: clinical testing. Allele origin: germline. Affected: yes. Observed: 1 variant allele.
Comment: LINS1: BP4

Ambry Genetics
Classification: Likely benign for Inborn genetic diseases. Last evaluated: 2022-02-04. Review status: criteria provided, single submitter. Criteria: Ambry Variant Classification Scheme 2023. Collection method: clinical testing. Allele origin: germline.

Labcorp Genetics (formerly Invitae), Labcorp
Classification: Likely benign. Last evaluated: 2019-12-31. Review status: criteria provided, single submitter. Criteria: Invitae Variant Classification Sherloc (09022015). Collection method: clinical testing. Allele origin: germline.

Genetic Services Laboratory, University of Chicago
Classification: Likely benign. Last evaluated: 2015-11-19. Review status: criteria provided, single submitter. Criteria: ACMG Guidelines, 2015. Collection method: clinical testing. Allele origin: germline. Affected: no.

PreventionGenetics, part of Exact Sciences
Classification: Likely benign for LINS1-related condition. Last evaluated: 2019-03-21. Review status: no assertion criteria provided. Collection method: clinical testing. Allele origin: germline. Not counted in ClinVar's aggregate classification.
Comment: This variant is classified as likely benign based on ACMG/AMP sequence variant interpretation guidelines (Richards et al. 2015 PMID: 25741868, with internal and published modifications).

Clinical Genetics DNA and cytogenetics Diagnostics Lab, Erasmus MC, Erasmus Medical Center
Classification: Likely benign. Review status: no assertion criteria provided. Collection method: clinical testing. Allele origin: germline. Affected: yes. Study: VKGL Data-share Consensus. Not counted in ClinVar's aggregate classification.

Laboratory of Diagnostic Genome Analysis, Leiden University Medical Center (LUMC)
Classification: Likely benign. Review status: no assertion criteria provided. Collection method: clinical testing. Allele origin: germline. Affected: yes. Study: VKGL Data-share Consensus. Not counted in ClinVar's aggregate classification.